The following is an entry in ClinVar:

NM_004364.5(CEBPA):c.614A>G (p.His205Arg)

Gene: CEBPA (CCAAT enhancer binding protein alpha; minus strand). Cytogenetic location: 19q13.11.
Variant type: single nucleotide variant.
Coding change: c.614A>G on transcript NM_004364.5 (MANE Select); coding-DNA position 614, A replaced by G.
Protein change: p.His205Arg; replaces histidine 205 with arginine.
Molecular consequence: missense variant.
Genome position (GRCh38, 1-based): chr19:33,301,801, T>C on the plus strand (A>G on the coding strand, the complement: CEBPA is on the minus strand). VCF-style: chr19-33301801-T-C. GRCh37 (hg19) VCF-style: chr19-33792707-T-C.
Other names: c.614A>G (NM_004364.3); c.257A>G, p.His86Arg (NM_001285829.2); c.719A>G, p.His240Arg (NM_001287424.2); c.572A>G, p.His191Arg (NM_001287435.2); short protein forms H205R, H240R, H191R, H86R.
Identifiers: ClinVar variation 581753 (VCV000581753.10), dbSNP rs1568419698, ClinGen allele CA405274580.

ClinVar aggregate classification (germline): Uncertain significance. Review status: criteria provided, multiple submitters, no conflicts (2 of 4 stars). 2 submissions from 2 submitters: Uncertain significance (2). Last evaluated 2025-07-14.

Conditions:
Inborn genetic diseases. Identifiers: MedGen C0950123, MeSH D030342.
Acute myeloid leukemia (AML). Also called: Leukemia, acute myeloid, somatic; Leukemia, acute myelogenous, somatic; Acute myeloid leukemia, adult; AML adult; Acute non-lymphocytic leukemia; Acute granulocytic leukemia. Identifiers: Orphanet 519, MedGen C0023467, MeSH D015470, MONDO:0018874, OMIM 601626, HP:0004808. Disease mechanism: Constitutively activated FLT3.

Submissions (2):

Ambry Genetics
Classification: Uncertain significance for Inborn genetic diseases. Last evaluated: 2025-07-14. Review status: criteria provided, single submitter. Criteria: Ambry Variant Classification Scheme 2023. Collection method: clinical testing. Allele origin: germline.
Comment: The p.H205R variant (also known as c.614A>G), located in coding exon 1 of the CEBPA gene, results from an A to G substitution at nucleotide position 614. The histidine at codon 205 is replaced by arginine, an amino acid with highly similar properties. This amino acid position is conserved. In addition, this alteration is predicted to be tolerated by in silico analysis. Based on the available evidence, the clinical significance of this variant remains unclear.

Labcorp Genetics (formerly Invitae), Labcorp
Classification: Uncertain significance for Acute myeloid leukemia. Last evaluated: 2022-06-20. Review status: criteria provided, single submitter. Criteria: Invitae Variant Classification Sherloc (09022015). Collection method: clinical testing. Allele origin: germline.
Comment: In summary, the available evidence is currently insufficient to determine the role of this variant in disease. Therefore, it has been classified as a Variant of Uncertain Significance. Algorithms developed to predict the effect of missense changes on protein structure and function are either unavailable or do not agree on the potential impact of this missense change (SIFT: "Tolerated"; PolyPhen-2: "Probably Damaging"; Align-GVGD: "Class C0"). ClinVar contains an entry for this variant (Variation ID: 581753). This variant has not been reported in the literature in individuals affected with CEBPA-related conditions. This variant is not present in population databases (gnomAD no frequency). This sequence change replaces histidine, which is basic and polar, with arginine, which is basic and polar, at codon 205 of the CEBPA protein (p.His205Arg).